The following is an entry in ClinVar:

NM_177438.3(DICER1):c.5394del (p.Glu1799fs)

Gene: DICER1 (dicer 1, ribonuclease III; minus strand). Cytogenetic location: 14q32.13.
Variant type: Deletion.
Coding change: c.5394del on transcript NM_177438.3 (MANE Select); coding-DNA position 5394, one base deleted (A; older notation c.5394delA).
Protein change: p.Glu1799fs; shifts the reading frame from glutamic acid 1799.
Molecular consequence: frameshift variant. On other transcripts: intron variant (1).
Genome position (GRCh38, 1-based): chr14:95,091,336, T deleted on the plus strand (A on the coding strand, the reverse complement: DICER1 is on the minus strand); the first of 3 consecutive T bases (chr14:95,091,336-95,091,338); deleting any one gives the same sequence. VCF-style (leftmost placement, unchanged base first): chr14-95091335-CT-C. GRCh37 (hg19) VCF-style: chr14-95557672-CT-C.
Other names: c.5394delA (NM_177438.2); c.5394del, p.Glu1799fs (NM_001271282.3, NM_001291628.2, NM_030621.4); c.5365-227del (NM_001195573.1); c.5394del (NM_177438.2); short protein forms E1799fs.
Identifiers: ClinVar variation 254349 (VCV000254349.11), dbSNP rs886037728, ClinGen allele CA10586401.

ClinVar aggregate classification (germline): Pathogenic. Review status: criteria provided, multiple submitters, no conflicts (2 of 4 stars). 4 submissions from 4 submitters: Pathogenic (4). Last evaluated 2023-09-25.

Conditions:
Global developmental delay - lung cysts - overgrowth - Wilms tumor syndrome. Also called: GLOW Syndrome; GLOBAL DEVELOPMENTAL DELAY, LUNG CYSTS, OVERGROWTH, AND WILMS TUMOR. Identifiers: Orphanet 404476, MedGen C4748924, MONDO:0018445, OMIM 618272.
Pleuropulmonary blastoma (PPB). Identifiers: Orphanet 64742, MedGen C1266144, MONDO:0011014, OMIM 601200, HP:0100528.
Rhabdomyosarcoma, embryonal, 2 (RMSE2). Identifiers: MedGen C1867234, MONDO:0859046, OMIM 180295.
Euthyroid goiter (MNG1). Also called: Goiter, multinodular 1, with or without Sertoli-Leydig cell tumors; GOITER, NONTOXIC, WITH INTRATHYROIDAL CALCIFICATION; MULTINODULAR GOITER, ADOLESCENT; SIMPLE GOITER. Identifiers: Orphanet 276399, MedGen C0302859, MONDO:0007681, OMIM 138800, HP:0009798.
DICER1-related tumor predisposition. Also called: DICER1 syndrome; DICER1-related pleuropulmonary blastoma cancer predisposition syndrome. Identifiers: Orphanet 284343, MedGen C3839822, MONDO:0100216.

Submissions (4):

Department of Pathology and Laboratory Medicine, Sinai Health System
Classification: Pathogenic for Euthyroid goiter; Rhabdomyosarcoma, embryonal, 2; Pleuropulmonary blastoma; Global developmental delay - lung cysts - overgrowth - Wilms tumor syndrome. Last evaluated: 2023-09-25. Review status: criteria provided, single submitter. Criteria: ACMG Guidelines, 2015. Collection method: clinical testing. Allele origin: germline. Affected: yes.

Labcorp Genetics (formerly Invitae), Labcorp
Classification: Pathogenic for DICER1-related tumor predisposition. Last evaluated: 2021-07-09. Review status: criteria provided, single submitter. Criteria: Invitae Variant Classification Sherloc (09022015). Collection method: clinical testing. Allele origin: germline.
Comment: For these reasons, this variant has been classified as Pathogenic. ClinVar contains an entry for this variant (Variation ID: 254349). This premature translational stop signal has been observed in individual(s) with pleuropulmonary blastoma (PMID: 26925222). This variant is not present in population databases (ExAC no frequency). This sequence change creates a premature translational stop signal (p.Glu1799Lysfs*39) in the DICER1 gene. It is expected to result in an absent or disrupted protein product. Loss-of-function variants in DICER1 are known to be pathogenic (PMID: 19556464, 21266384).

Foulkes Cancer Genetics LDI, Lady Davis Institute for Medical Research
Classification: Pathogenic for Pleuropulmonary blastoma. Last evaluated: 2019-07-01. Review status: criteria provided, single submitter. Criteria: ACMG Guidelines, 2015. Collection method: curation. Allele origin: germline. Affected: yes. Observed: 3 variant alleles.
Comment: ACMG criteria met: PVS1, PM2, PP4

International Pleuropulmonary Blastoma Registry, Children's Hospitals and Clinics of Minnesota
Classification: Pathogenic for Pleuropulmonary blastoma. Last evaluated: 2014-11-10. Review status: criteria provided, single submitter. Criteria: Hill et al. (Science. 2009). Collection method: clinical testing. Allele origin: germline. Affected: yes. Study: PPB-DICER1 Genetic study.

Literature cited by the submitters: PubMed 26925222 (cited by 4 submitters); PubMed 19556464 (cited by Labcorp Genetics (formerly Invitae), Labcorp); PubMed 21266384 (cited by Labcorp Genetics (formerly Invitae), Labcorp); PubMed 24909177 (cited by Foulkes Cancer Genetics LDI, Lady Davis Institute for Medical Research); PubMed 25118636 (cited by Foulkes Cancer Genetics LDI, Lady Davis Institute for Medical Research).